The following is an entry in ClinVar:

NM_001110556.2(FLNA):c.7285C>T (p.Pro2429Ser)

Gene: FLNA (filamin A; minus strand). Cytogenetic location: Xq28.
Variant type: single nucleotide variant.
Coding change: c.7285C>T on transcript NM_001110556.2 (MANE Select); coding-DNA position 7285, C replaced by T.
Protein change: p.Pro2429Ser; replaces proline 2429 with serine.
Molecular consequence: missense variant.
Genome position (GRCh38, 1-based): chrX:154,350,079, G>A on the plus strand (C>T on the coding strand, the complement: FLNA is on the minus strand). VCF-style: chrX-154350079-G-A. GRCh37 (hg19) VCF-style: chrX-153578447-G-A.
Other names: p.Pro2421Ser; c.7261C>T, p.Pro2421Ser (NM_001456.4); short protein forms P2421S, P2429S.
Identifiers: ClinVar variation 1329814 (VCV001329814.3), dbSNP rs2148101231, ClinGen allele CA415183794.

ClinVar aggregate classification (germline): Uncertain significance. Review status: criteria provided, multiple submitters, no conflicts (2 of 4 stars). 2 submissions from 2 submitters: Uncertain significance (2). Last evaluated 2023-09-14.

Submissions (2):

Mayo Clinic Laboratories, Mayo Clinic
Classification: Uncertain significance. Last evaluated: 2023-09-14. Review status: criteria provided, single submitter. Criteria: ACMG Guidelines, 2015. Collection method: clinical testing. Allele origin: germline. Observed: 1 variant allele.
Comment: PP2, PP3, PM2

GeneDx
Classification: Uncertain significance. Last evaluated: 2021-06-21. Review status: criteria provided, single submitter. Criteria: GeneDx Variant Classification Process June 2021. Collection method: clinical testing. Allele origin: germline. Affected: yes.
Comment: Has not been previously published as pathogenic or benign to our knowledge; Not observed at significant frequency in large population cohorts (Lek et al., 2016); In silico analysis supports that this missense variant has a deleterious effect on protein structure/function; This variant is associated with the following publications: (PMID: 27535533)